The following is an entry in ClinVar:

ClinVar aggregate classification (germline): Conflicting classifications of pathogenicity. Review status: criteria provided, conflicting classifications (1 of 4 stars). 3 submissions from 3 submitters: Uncertain significance (2); Likely benign (1). Last evaluated 2024-07-05.

Conditions:
MEGF10-related myopathy (CMYO10A). Also called: Congenital myopathy 10A, severe variant. Identifiers: Orphanet 439212, MedGen C3280679, MONDO:0013731, OMIM 614399.

Allele frequency attached by ClinVar (database versions not stated): gnomAD 0.00003; ExAC 0.00004; ESP Exome Variant Server 0.00008.
gnomAD v4.1: 44 of 1,610,218 alleles (0.0027%); highest among the groups gnomAD compares: African/African-American, 0.015%; no homozygotes.

Submissions (3):

Blueprint Genetics
Classification: Likely benign. Last evaluated: 2024-07-05. Review status: criteria provided, single submitter. Criteria: ACMG Guidelines, 2015. Collection method: clinical testing. Allele origin: germline.

Mayo Clinic Laboratories, Mayo Clinic
Classification: Uncertain significance. Last evaluated: 2023-10-03. Review status: criteria provided, single submitter. Criteria: ACMG Guidelines, 2015. Collection method: clinical testing. Allele origin: germline. Observed: 1 variant allele.
Comment: BP4

Labcorp Genetics (formerly Invitae), Labcorp
Classification: Uncertain significance for MEGF10-related myopathy. Last evaluated: 2022-07-31. Review status: criteria provided, single submitter. Criteria: Invitae Variant Classification Sherloc (09022015). Collection method: clinical testing. Allele origin: germline.
Comment: This sequence change replaces arginine, which is basic and polar, with glutamine, which is neutral and polar, at codon 367 of the MEGF10 protein (p.Arg367Gln). This variant is present in population databases (rs371522377, gnomAD 0.03%). This variant has not been reported in the literature in individuals affected with MEGF10-related conditions. ClinVar contains an entry for this variant (Variation ID: 539965). Algorithms developed to predict the effect of missense changes on protein structure and function output the following: SIFT: "Tolerated"; PolyPhen-2: "Benign"; Align-GVGD: "Class C0". The glutamine amino acid residue is found in multiple mammalian species, which suggests that this missense change does not adversely affect protein function. Algorithms developed to predict the effect of sequence changes on RNA splicing suggest that this variant may create or strengthen a splice site. In summary, the available evidence is currently insufficient to determine the role of this variant in disease. Therefore, it has been classified as a Variant of Uncertain Significance.

NM_001256545.2(MEGF10):c.1100G>A (p.Arg367Gln)

Gene: MEGF10 (multiple EGF like domains 10; plus strand). Cytogenetic location: 5q23.2.
Variant type: single nucleotide variant.
Coding change: c.1100G>A on transcript NM_001256545.2 (MANE Select); coding-DNA position 1100, G replaced by A.
Protein change: p.Arg367Gln; replaces arginine 367 with glutamine.
Molecular consequence: missense variant.
Genome position (GRCh38, 1-based): chr5:127,410,571, G>A. VCF-style: chr5-127410571-G-A. GRCh37 (hg19) VCF-style: chr5-126746263-G-A.
Other names: p.Arg367Gln; c.1100G>A, p.Arg367Gln (NM_001308119.2, NM_001308121.2, NM_032446.3); short protein forms R367Q.
Identifiers: ClinVar variation 539965 (VCV000539965.10), dbSNP rs371522377, ClinGen allele CA3391481.
Genomic context (GRCh38, chr5:127,410,571, plus strand): 5'-GCGAGCGCTGCGAAGCACGCCTGTGTCCTGAGGGGCTCTACGGCATCAAATGTGACAAAC[G>A]GTGTCCCTGCCACCTGGAAAACACTCATAGGTGAGTGTCAGCTTCCCCTGGAAGGACGTG-3'
Protein context (NP_001243474.1, residues 357-377): EGLYGIKCDK[Arg367Gln]CPCHLENTHS